The following is an entry in ClinVar:

ClinVar aggregate classification (germline): Conflicting classifications of pathogenicity. Review status: criteria provided, conflicting classifications (1 of 4 stars). 2 submissions from 2 submitters: Uncertain significance (1); Likely benign (1). Last evaluated 2024-01-03.

Allele frequency attached by ClinVar (database versions not stated): gnomAD exomes 0.00003; ExAC 0.00004; TOPMed 0.00005; gnomAD 0.00006; ESP Exome Variant Server 0.00009.
gnomAD v4.1: 43 of 1,206,784 alleles (0.0036%); highest among the groups gnomAD compares: Non-Finnish European, 0.00056%; no homozygotes.

Submissions (2):

Ambry Genetics
Classification: Uncertain significance. Last evaluated: 2024-01-03. Review status: criteria provided, single submitter. Criteria: Ambry Variant Classification Scheme 2023. Collection method: clinical testing. Allele origin: germline.

CeGaT Center for Human Genetics Tuebingen
Classification: Likely benign. Last evaluated: 2023-04-01. Review status: criteria provided, single submitter. Criteria: CeGaT Center For Human Genetics Tuebingen Variant Classification Criteria Version 2. Collection method: clinical testing. Allele origin: germline. Affected: yes. Observed: 1 variant allele.
Comment: MAGED1: BP5

NM_006986.4(MAGED1):c.1795C>G (p.Leu599Val)

Gene: MAGED1 (MAGE family member D1; plus strand). Cytogenetic location: Xp11.22.
Variant type: single nucleotide variant.
Coding change: c.1795C>G on transcript NM_006986.4 (MANE Select); coding-DNA position 1795, C replaced by G.
Protein change: p.Leu599Val; replaces leucine 599 with valine.
Molecular consequence: missense variant.
Genome position (GRCh38, 1-based): chrX:51,898,594, C>G. VCF-style: chrX-51898594-C-G. GRCh37 (hg19) VCF-style: chrX-51641690-C-G.
Other names: c.1795C>G, p.Leu599Val (NM_001005332.2); c.1963C>G, p.Leu655Val (NM_001005333.2); c.1963C>G (NM_001005333.1); short protein forms L599V, L655V.
Identifiers: ClinVar variation 2660576 (VCV002660576.25), dbSNP rs199703705, ClinGen allele CA10417690.